The following is an entry in ClinVar:

ClinVar aggregate classification (germline): Uncertain significance. Review status: criteria provided, multiple submitters, no conflicts (2 of 4 stars). 2 submissions from 2 submitters: Uncertain significance (2). Last evaluated 2025-09-22.

Conditions:
Cardiovascular phenotype. Identifiers: MedGen CN230736.
Long QT syndrome (LQTS). Identifiers: MedGen C0023976, MeSH D008133, MONDO:0002442. Disease mechanism: loss of function. Inheritance: Various modes of inheritance.

Allele frequency attached by ClinVar (database versions not stated): ExAC 0.00001; gnomAD exomes 0.00001; gnomAD 0.00007; TOPMed 0.00012.
gnomAD v4.1: 21 of 1,613,748 alleles (0.0013%); highest among the groups gnomAD compares: Admixed American, 0.03%; 1 homozygote.

Submissions (2):

Labcorp Genetics (formerly Invitae), Labcorp
Classification: Uncertain significance for Long QT syndrome. Last evaluated: 2025-09-22. Review status: criteria provided, single submitter. Criteria: Invitae Variant Classification Sherloc (09022015). Collection method: clinical testing. Allele origin: germline.
Comment: This sequence change replaces histidine, which is basic and polar, with proline, which is neutral and non-polar, at codon 282 of the AKAP9 protein (p.His282Pro). This variant is present in population databases (rs762460761, gnomAD no frequency). This variant has not been reported in the literature in individuals affected with AKAP9-related conditions. ClinVar contains an entry for this variant (Variation ID: 1985451). An algorithm developed to predict the effect of missense changes on protein structure and function (PolyPhen-2) suggests that this variant is likely to be disruptive. In summary, the available evidence is currently insufficient to determine the role of this variant in disease. Therefore, it has been classified as a Variant of Uncertain Significance.

Ambry Genetics
Classification: Uncertain significance for Cardiovascular phenotype. Last evaluated: 2024-12-21. Review status: criteria provided, single submitter. Criteria: Ambry Variant Classification Scheme 2023. Collection method: clinical testing. Allele origin: germline.
Comment: The p.H282P variant (also known as c.845A>C), located in coding exon 7 of the AKAP9 gene, results from an A to C substitution at nucleotide position 845. The histidine at codon 282 is replaced by proline, an amino acid with similar properties. This amino acid position is conserved. In addition, this alteration is predicted to be tolerated by in silico analysis. Based on the available evidence, the clinical significance of this variant remains unclear.

NM_005751.5(AKAP9):c.845A>C (p.His282Pro)

Gene: AKAP9 (A-kinase anchoring protein 9; plus strand). Cytogenetic location: 7q21.2.
Variant type: single nucleotide variant.
Coding change: c.845A>C on transcript NM_005751.5 (MANE Select); coding-DNA position 845, A replaced by C.
Protein change: p.His282Pro; replaces histidine 282 with proline.
Molecular consequence: missense variant.
Genome position (GRCh38, 1-based): chr7:91,995,715, A>C. VCF-style: chr7-91995715-A-C. GRCh37 (hg19) VCF-style: chr7-91625029-A-C.
Other names: c.845A>C, p.His282Pro (NM_147185.3); short protein forms H282P.
Identifiers: ClinVar variation 1985451 (VCV001985451.6), dbSNP rs762460761, ClinGen allele CA4335924.